The following is an entry in ClinVar:

NM_000071.3(CBS):c.209+1G>C

Gene: CBS (cystathionine beta-synthase; minus strand). Cytogenetic location: 21q22.3.
Variant type: single nucleotide variant.
Coding change: c.209+1G>C on transcript NM_000071.3 (MANE Select); the canonical splice donor site of the intron after coding-DNA position 209, G replaced by C.
Molecular consequence: splice donor variant.
Genome position (GRCh38, 1-based): chr21:43,071,984, C>G on the plus strand (G>C on the coding strand, the complement: CBS is on the minus strand). VCF-style: chr21-43071984-C-G. GRCh37 (hg19) VCF-style: chr21-44492094-C-G.
Other names: c.209+1G>C (NM_001320298.2, NM_001178009.3, NM_001178008.3).
Identifiers: ClinVar variation 370403 (VCV000370403.12), dbSNP rs751464024, ClinGen allele CA16042008.
Genomic context (GRCh38, chr21:43,071,984, plus strand): 5'-TAACAAACTCCTGCCCTCCAGGTTATGGATCAGCCCTCTTGTGATCAAAAGCAGGACTTA[C>G]GGGGCAGTGTGGTGATGTGGGGACTCGGAGGCAGGCCGGCCCAGCTGCCAGGTGCACCTG-3'

ClinVar aggregate classification (germline): Pathogenic/Likely pathogenic. Review status: criteria provided, multiple submitters, no conflicts (2 of 4 stars). 3 submissions from 3 submitters: Pathogenic (1); Likely pathogenic (1). 1 of the submissions does not count toward it. Last evaluated 2022-10-13.

Conditions:
Classic homocystinuria. Also called: Homocystinuria due to CBS deficiency; Cystathionine beta-synthase deficiency; CBS deficiency; Homocystinuria due to Cystathionine Beta-Synthase Deficiency; HOMOCYSTINURIA WITH OR WITHOUT RESPONSE TO PYRIDOXINE. Identifiers: Orphanet 394, MedGen C0751202, MONDO:0009352, OMIM 236200.
HYPERHOMOCYSTEINEMIA, THROMBOTIC, CBS-RELATED. Identifiers: MedGen C3150344, OMIM 236200.

Submissions (3):

Labcorp Genetics (formerly Invitae), Labcorp
Classification: Pathogenic for HYPERHOMOCYSTEINEMIA, THROMBOTIC, CBS-RELATED. Last evaluated: 2022-10-13. Review status: criteria provided, single submitter. Criteria: Invitae Variant Classification Sherloc (09022015). Collection method: clinical testing. Allele origin: germline.
Comment: Disruption of this splice site has been observed in individual(s) with homocystinuria (PMID: 10215408, 29352562). In at least one individual the data is consistent with being in trans (on the opposite chromosome) from a pathogenic variant. For these reasons, this variant has been classified as Pathogenic. Algorithms developed to predict the effect of sequence changes on RNA splicing suggest that this variant may disrupt the consensus splice site. ClinVar contains an entry for this variant (Variation ID: 370403). This variant is not present in population databases (gnomAD no frequency). This sequence change affects a donor splice site in intron 3 of the CBS gene. It is expected to disrupt RNA splicing. Variants that disrupt the donor or acceptor splice site typically lead to a loss of protein function (PMID: 16199547), and loss-of-function variants in CBS are known to be pathogenic (PMID: 10338090, 12124992).

Revvity Omics, Revvity
Classification: Likely pathogenic for Classic homocystinuria. Last evaluated: 2021-12-05. Review status: criteria provided, single submitter. Criteria: ACMG Guidelines, 2015. Collection method: clinical testing. Allele origin: germline.

Counsyl
Classification: Likely pathogenic for Classic homocystinuria. Last evaluated: 2016-02-02. Review status: no assertion criteria provided. Collection method: clinical testing. Allele origin: unknown. Not counted in ClinVar's aggregate classification.

Literature cited by the submitters: PubMed 10215408 (cited by Labcorp Genetics (formerly Invitae), Labcorp); PubMed 29352562 (cited by Labcorp Genetics (formerly Invitae), Labcorp); PubMed 16199547 (cited by Labcorp Genetics (formerly Invitae), Labcorp); PubMed 10338090 (cited by Labcorp Genetics (formerly Invitae), Labcorp); PubMed 12124992 (cited by Labcorp Genetics (formerly Invitae), Labcorp).